The following is an entry in ClinVar:

ClinVar aggregate classification (germline): Likely pathogenic (1 of 4 stars; one submission).

Submission:

Labcorp Genetics (formerly Invitae), Labcorp
Classification: Likely pathogenic. Last evaluated: 2024-11-06. Review status: criteria provided, single submitter. Criteria: Invitae Variant Classification Sherloc (09022015). Collection method: clinical testing. Allele origin: germline.
Comment: This sequence change affects an acceptor splice site in intron 25 of the DIP2C gene. It is expected to disrupt RNA splicing. Variants that disrupt the donor or acceptor splice site typically lead to a loss of protein function (PMID: 16199547), and loss-of-function variants in DIP2C are known to be pathogenic (PMID: 38421105). This variant is not present in population databases (gnomAD no frequency). This variant has not been reported in the literature in individuals affected with DIP2C-related conditions. ClinVar contains an entry for this variant (Variation ID: 1465565). Algorithms developed to predict the effect of sequence changes on RNA splicing suggest that this variant may disrupt the consensus splice site. In summary, the currently available evidence indicates that the variant is pathogenic, but additional data are needed to prove that conclusively. Therefore, this variant has been classified as Likely Pathogenic.

Literature cited by the submitters: PubMed 16199547; PubMed 38421105.

NM_014974.3(DIP2C):c.3110-2A>G

Gene: DIP2C (DIP2 acetate--CoA ligase C (putative); minus strand). Cytogenetic location: 10p15.3.
Variant type: single nucleotide variant.
Coding change: c.3110-2A>G on transcript NM_014974.3 (MANE Select); the canonical splice acceptor site of the intron before coding-DNA position 3110, A replaced by G.
Molecular consequence: splice acceptor variant.
Genome position (GRCh38, 1-based): chr10:348,764, T>C on the plus strand (A>G on the coding strand, the complement: DIP2C is on the minus strand). VCF-style: chr10-348764-T-C. GRCh37 (hg19) VCF-style: chr10-394704-T-C.
Identifiers: ClinVar variation 1465565 (VCV001465565.8), dbSNP rs2132627975, ClinGen allele CA375830897.